The following is an entry in ClinVar:

ClinVar aggregate classification (germline): Uncertain significance (1 of 4 stars; one submission).

Allele frequency attached by ClinVar (database versions not stated): gnomAD 0.00001.
gnomAD v4.1: 30 of 1,551,048 alleles (0.0019%); highest among the groups gnomAD compares: Non-Finnish European, 0.0024%; no homozygotes.

Submission:

Labcorp Genetics (formerly Invitae), Labcorp
Classification: Uncertain significance. Last evaluated: 2025-02-16. Review status: criteria provided, single submitter. Criteria: Invitae Variant Classification Sherloc (09022015). Collection method: clinical testing. Allele origin: germline.
Comment: This sequence change replaces glutamic acid, which is acidic and polar, with glutamine, which is neutral and polar, at codon 234 of the VSX1 protein (p.Glu234Gln). This variant is not present in population databases (gnomAD no frequency). This variant has not been reported in the literature in individuals affected with VSX1-related conditions. ClinVar contains an entry for this variant (Variation ID: 2971874). Invitae Evidence Modeling of protein sequence and biophysical properties (such as structural, functional, and spatial information, amino acid conservation, physicochemical variation, residue mobility, and thermodynamic stability) indicates that this missense variant is not expected to disrupt VSX1 protein function with a negative predictive value of 80%. In summary, the available evidence is currently insufficient to determine the role of this variant in disease. Therefore, it has been classified as a Variant of Uncertain Significance.

NM_014588.6(VSX1):c.700G>C (p.Glu234Gln)

Gene: VSX1 (visual system homeobox 1; minus strand). Cytogenetic location: 20p11.21.
Variant type: single nucleotide variant.
Coding change: c.700G>C on transcript NM_014588.6 (MANE Select); coding-DNA position 700, G replaced by C.
Protein change: p.Glu234Gln; replaces glutamic acid 234 with glutamine.
Molecular consequence: missense variant. On other transcripts: non-coding transcript variant (4), intron variant (1).
Genome position (GRCh38, 1-based): chr20:25,077,793, C>G on the plus strand (G>C on the coding strand, the complement: VSX1 is on the minus strand). VCF-style: chr20-25077793-C-G. GRCh37 (hg19) VCF-style: chr20-25058429-C-G.
Other names: c.700G>C, p.Glu234Gln (NM_001256272.2); c.7G>C, p.Glu3Gln (NM_001378633.1); c.627+1036G>C (NM_001256271.2); short protein forms E234Q, E3Q.
Identifiers: ClinVar variation 2971874 (VCV002971874.3), dbSNP rs1393720771, ClinGen allele CA408434535.